The following is an entry in ClinVar:

NM_006019.4(TCIRG1):c.2146C>T (p.Gln716Ter)

Gene: TCIRG1 (T cell immune regulator 1, ATPase H+ transporting V0 subunit a3; plus strand). Cytogenetic location: 11q13.2.
Variant type: single nucleotide variant.
Coding change: c.2146C>T on transcript NM_006019.4 (MANE Select); coding-DNA position 2146, C replaced by T.
Protein change: p.Gln716Ter; replaces glutamine 716 with a stop codon.
Molecular consequence: nonsense.
Genome position (GRCh38, 1-based): chr11:68,050,164, C>T. VCF-style: chr11-68050164-C-T. GRCh37 (hg19) VCF-style: chr11-67817631-C-T.
Other names: c.2146C>T (NM_006019.3); c.1252C>T, p.Gln418Ter (NM_001351059.2); c.1498C>T, p.Gln500Ter (NM_006053.4); short protein forms Q500*, Q716*, Q418*.
Identifiers: ClinVar variation 2021559 (VCV002021559.6), dbSNP rs2495667919, ClinGen allele CA381590182.

ClinVar aggregate classification (germline): Pathogenic/Likely pathogenic. Review status: criteria provided, multiple submitters, no conflicts (2 of 4 stars). 3 submissions from 3 submitters: Pathogenic (1); Likely pathogenic (2). Last evaluated 2025-11-06.

Conditions:
Autosomal recessive osteopetrosis 1. Also called: ALBERS-SCHONBERG DISEASE, AUTOSOMAL RECESSIVE; TCIRG1-Related Osteopetrosis; TCIRG1-Related Autosomal Recessive Osteopetrosis. Identifiers: Orphanet 667, MedGen C1850127, MONDO:0009815, OMIM 259700.

Allele frequency attached by ClinVar (database versions not stated): gnomAD exomes below 0.00001.
gnomAD v4.1: 2 of 1,613,546 alleles (0.00012%); highest among the groups gnomAD compares: Non-Finnish European, 0.00017%; no homozygotes.

Submissions (3):

Natera, Inc.
Classification: Likely pathogenic for Infantile malignant osteopetrosis. Last evaluated: 2025-11-06. Review status: criteria provided, single submitter. Criteria: Natera Variant Classification Schema (03/2026). Collection method: clinical testing. Allele origin: germline.
Comment: The c.2146C>T variant in TCIRG1 is a nonsense variant predicted to introduce a stop codon at amino acid 716. This variant is expected to result in nonsense mediated decay, truncation, or a dysfunctional protein product. This variant is rare in the general population with a frequency below the threshold expected for the associated phenotype(s). Given the available evidence, this variant is classified as Likely Pathogenic.

Baylor Genetics
Classification: Likely pathogenic for Autosomal recessive osteopetrosis 1. Last evaluated: 2023-10-04. Review status: criteria provided, single submitter. Criteria: ACMG Guidelines, 2015. Collection method: clinical testing. Allele origin: unknown.

Labcorp Genetics (formerly Invitae), Labcorp
Classification: Pathogenic. Last evaluated: 2023-09-21. Review status: criteria provided, single submitter. Criteria: Invitae Variant Classification Sherloc (09022015). Collection method: clinical testing. Allele origin: germline.
Comment: For these reasons, this variant has been classified as Pathogenic. ClinVar contains an entry for this variant (Variation ID: 2021559). This variant has not been reported in the literature in individuals affected with TCIRG1-related conditions. This variant is not present in population databases (gnomAD no frequency). This sequence change creates a premature translational stop signal (p.Gln716*) in the TCIRG1 gene. It is expected to result in an absent or disrupted protein product. Loss-of-function variants in TCIRG1 are known to be pathogenic (PMID: 10888887, 10942435, 11532986, 19448635).

Literature cited by the submitters: PubMed 10888887 (cited by Labcorp Genetics (formerly Invitae), Labcorp); PubMed 10942435 (cited by Labcorp Genetics (formerly Invitae), Labcorp); PubMed 11532986 (cited by Labcorp Genetics (formerly Invitae), Labcorp); PubMed 19448635 (cited by Labcorp Genetics (formerly Invitae), Labcorp).